The following is an entry in ClinVar:

ClinVar aggregate classification (germline): Uncertain significance (1 of 4 stars; one submission).

Conditions:
Nephronophthisis. Also called: Juvenile Nephronophthisis. Identifiers: Orphanet 655, MedGen C0687120, MONDO:0019005, HP:0000090.

Allele frequency attached by ClinVar (database versions not stated): gnomAD exomes below 0.00001.
gnomAD v4.1: 2 of 1,611,810 alleles (0.00012%); highest among the groups gnomAD compares: South Asian, 0.0022%; no homozygotes.

Submission:

Labcorp Genetics (formerly Invitae), Labcorp
Classification: Uncertain significance for Nephronophthisis. Last evaluated: 2022-08-15. Review status: criteria provided, single submitter. Criteria: Invitae Variant Classification Sherloc (09022015). Collection method: clinical testing. Allele origin: germline.
Comment: In summary, the available evidence is currently insufficient to determine the role of this variant in disease. Therefore, it has been classified as a Variant of Uncertain Significance. Algorithms developed to predict the effect of missense changes on protein structure and function are either unavailable or do not agree on the potential impact of this missense change (SIFT: "Deleterious"; PolyPhen-2: "Probably Damaging"; Align-GVGD: "Class C15"). This variant has not been reported in the literature in individuals affected with NPHP1-related conditions. This variant is not present in population databases (gnomAD no frequency). This sequence change replaces leucine, which is neutral and non-polar, with serine, which is neutral and polar, at codon 384 of the NPHP1 protein (p.Leu384Ser).

NM_001128178.3(NPHP1):c.983T>C (p.Leu328Ser)

Gene: NPHP1 (nephrocystin 1; minus strand). Cytogenetic location: 2q13.
Variant type: single nucleotide variant.
Coding change: c.983T>C on transcript NM_001128178.3 (MANE Select); coding-DNA position 983, T replaced by C.
Protein change: p.Leu328Ser; replaces leucine 328 with serine.
Molecular consequence: missense variant.
Genome position (GRCh38, 1-based): chr2:110,160,227, A>G on the plus strand (T>C on the coding strand, the complement: NPHP1 is on the minus strand). VCF-style: chr2-110160227-A-G. GRCh37 (hg19) VCF-style: chr2-110917804-A-G.
Other names: c.1151T>C, p.Leu384Ser (NM_000272.5); c.794T>C, p.Leu265Ser (NM_001128179.3); c.980T>C, p.Leu327Ser (NM_001374256.1); c.983T>C, p.Leu328Ser (NM_001374257.1); c.1148T>C, p.Leu383Ser (NM_207181.4); short protein forms L265S, L328S, L327S, L383S, L384S.
Identifiers: ClinVar variation 1900913 (VCV001900913.5), dbSNP rs752549304, ClinGen allele CA348089771.